The following is an entry in ClinVar:

NC_000015.9:g.(?_100514607)_(100516447_?)del

Gene: ADAMTS17 (ADAM metallopeptidase with thrombospondin type 1 motif 17; minus strand). Cytogenetic location: 15q26.3.
Variant type: Deletion.
Identifiers: ClinVar variation 1346450 (VCV001346450.7).

ClinVar aggregate classification (germline): Likely pathogenic (1 of 4 stars; one submission).

Submission:

Labcorp Genetics (formerly Invitae), Labcorp
Classification: Likely pathogenic. Last evaluated: 2022-06-20. Review status: criteria provided, single submitter. Criteria: Invitae Variant Classification Sherloc (09022015). Collection method: clinical testing. Allele origin: germline.
Comment: In summary, the currently available evidence indicates that the variant is pathogenic, but additional data are needed to prove that conclusively. Therefore, this variant has been classified as Likely Pathogenic. This variant disrupts the p.Cys1023 amino acid residue in ADAMTS17. Other variant(s) that disrupt this residue have been determined to be pathogenic (PMID: 32616716). This suggests that this residue is clinically significant, and that variants that disrupt this residue are likely to be disease-causing. This variant has not been reported in the literature in individuals affected with ADAMTS17-related conditions. This variant is a gross deletion of the genomic region encompassing exon(s) 21-22 of the ADAMTS17 gene, which includes the termination codon. This deletion extends beyond the assayed region for this gene and therefore may encompass additional genes. While this deletion is not anticipated to lead to nonsense mediated decay, it is expected to alter mRNA translation or result in a truncated protein product.

Literature cited by the submitters: PubMed 32616716.